The following is an entry in ClinVar:

ClinVar aggregate classification (germline): Uncertain significance. Review status: criteria provided, multiple submitters, no conflicts (2 of 4 stars). 5 submissions from 5 submitters: Uncertain significance (5). Last evaluated 2025-06-27.

Conditions:
MEGF8-related Carpenter syndrome. Also called: Carpenter syndrome 2. Identifiers: Orphanet 65759, MedGen C3554247, MONDO:0013998, OMIM 614976.
Inborn genetic diseases. Identifiers: MedGen C0950123, MeSH D030342.

Allele frequency attached by ClinVar (database versions not stated): gnomAD 0.00004; TOPMed 0.00003.
gnomAD v4.1: 28 of 1,600,984 alleles (0.0017%); highest among the groups gnomAD compares: Admixed American, 0.021%; no homozygotes.

Submissions (5):

Dasa
Classification: Uncertain significance. Last evaluated: 2025-06-27. Review status: criteria provided, single submitter. Criteria: DASA Assertion Criteria. Collection method: clinical testing. Allele origin: germline.
Comment: NM_001271938.2(MEGF8):c.3392C>T (p.Pro1131Leu) is a missense variant that results in the substitution of proline with leucine. This variant is rare in population databases. Computational prediction algorithms are consistent with a benign effect. The currently available literature and clinical evidence are not sufficient to establish a definitive association between this variant and the reported condition. Therefore, this variant is classified as a variant of uncertain significance.

Labcorp Genetics (formerly Invitae), Labcorp
Classification: Uncertain significance for MEGF8-related Carpenter syndrome. Last evaluated: 2024-05-24. Review status: criteria provided, single submitter. Criteria: Invitae Variant Classification Sherloc (09022015). Collection method: clinical testing. Allele origin: germline.
Comment: This sequence change replaces proline, which is neutral and non-polar, with leucine, which is neutral and non-polar, at codon 1064 of the MEGF8 protein (p.Pro1064Leu). The frequency data for this variant in the population databases is considered unreliable, as metrics indicate poor data quality at this position in the gnomAD database. This variant has not been reported in the literature in individuals affected with MEGF8-related conditions. ClinVar contains an entry for this variant (Variation ID: 286854). An algorithm developed to predict the effect of missense changes on protein structure and function (PolyPhen-2) suggests that this variant is likely to be disruptive. In summary, the available evidence is currently insufficient to determine the role of this variant in disease. Therefore, it has been classified as a Variant of Uncertain Significance.

Ambry Genetics
Classification: Uncertain significance for Inborn genetic diseases. Last evaluated: 2023-08-20. Review status: criteria provided, single submitter. Criteria: Ambry Variant Classification Scheme 2023. Collection method: clinical testing. Allele origin: germline.

GeneDx
Classification: Uncertain significance. Last evaluated: 2020-01-09. Review status: criteria provided, single submitter. Criteria: GeneDx Variant Classification Process June 2021. Collection method: clinical testing. Allele origin: germline. Affected: yes.
Comment: In silico analysis, which includes protein predictors and evolutionary conservation, supports a deleterious effect; Has not been previously published as pathogenic or benign to our knowledge

Eurofins Ntd Llc (ga)
Classification: Uncertain significance. Last evaluated: 2016-03-10. Review status: criteria provided, single submitter. Criteria: EGL Classification Definitions 2015. Collection method: clinical testing. Allele origin: germline. Observed: 3 variant alleles, 3 homozygotes.

NM_001271938.2(MEGF8):c.3392C>T (p.Pro1131Leu)

Gene: MEGF8 (multiple EGF like domains 8; plus strand). Cytogenetic location: 19q13.2.
Variant type: single nucleotide variant.
Coding change: c.3392C>T on transcript NM_001271938.2 (MANE Select); coding-DNA position 3392, C replaced by T.
Protein change: p.Pro1131Leu; replaces proline 1131 with leucine.
Molecular consequence: missense variant.
Genome position (GRCh38, 1-based): chr19:42,352,969, C>T. VCF-style: chr19-42352969-C-T. GRCh37 (hg19) VCF-style: chr19-42857121-C-T.
Other names: c.3191C>T, p.Pro1064Leu (NM_001410.3); short protein forms P1064L, P1131L.
Identifiers: ClinVar variation 286854 (VCV000286854.13), dbSNP rs748525586, ClinGen allele CA9474985.